The following is an entry in ClinVar:

ClinVar aggregate classification (germline): Pathogenic (1 of 4 stars; one submission).

Conditions:
Neuromuscular disease caused by qualitative or quantitative defects of dysferlin. Also called: Qualitative or quantitative defects of dysferlin; Dysferlinopathy. Identifiers: Orphanet 207073, MedGen C2931687, MONDO:0016145.

Submission:

Labcorp Genetics (formerly Invitae), Labcorp
Classification: Pathogenic for Neuromuscular disease caused by qualitative or quantitative defects of dysferlin. Last evaluated: 2023-05-27. Review status: criteria provided, single submitter. Criteria: Invitae Variant Classification Sherloc (09022015). Collection method: clinical testing. Allele origin: germline.
Comment: For these reasons, this variant has been classified as Pathogenic. This variant has not been reported in the literature in individuals affected with DYSF-related conditions. This variant is not present in population databases (gnomAD no frequency). This sequence change creates a premature translational stop signal (p.Glu276*) in the DYSF gene. It is expected to result in an absent or disrupted protein product. Loss-of-function variants in DYSF are known to be pathogenic (PMID: 17698709, 20301480).

Literature cited by the submitters: PubMed 17698709; PubMed 20301480.

NM_001130987.2(DYSF):c.922G>T (p.Glu308Ter)

Gene: DYSF (dysferlin; plus strand). Cytogenetic location: 2p13.2.
Variant type: single nucleotide variant.
Coding change: c.922G>T on transcript NM_001130987.2 (MANE Select); coding-DNA position 922, G replaced by T.
Protein change: p.Glu308Ter; replaces glutamic acid 308 with a stop codon.
Molecular consequence: nonsense.
Genome position (GRCh38, 1-based): chr2:71,516,213, G>T. VCF-style: chr2-71516213-G-T. GRCh37 (hg19) VCF-style: chr2-71743343-G-T.
Other names: c.829G>T, p.Glu277Ter (NM_001130455.2, NM_001130983.2, NM_001130984.2 and 1 more transcripts); c.826G>T, p.Glu276Ter (NM_001130976.2, NM_001130977.2, NM_001130978.2 and 1 more transcripts); c.919G>T, p.Glu307Ter (NM_001130979.2, NM_001130980.2, NM_001130981.2); c.922G>T, p.Glu308Ter (NM_001130982.2, NM_001130985.2); short protein forms E276*, E307*, E277*, E308*.
Identifiers: ClinVar variation 2736000 (VCV002736000.3), dbSNP rs2086635662, ClinGen allele CA347209479.